The following is an entry in ClinVar:

ClinVar aggregate classification (germline): Benign/Likely benign. Review status: criteria provided, multiple submitters, no conflicts (2 of 4 stars). 7 submissions from 7 submitters: Benign (6); Likely benign (1). Last evaluated 2026-05-12.

Conditions:
Ellis-van Creveld syndrome (EVC). Also called: Chondroectodermal dysplasia; MESOECTODERMAL DYSPLASIA. Identifiers: Orphanet 289, MedGen C0013903, MONDO:0009162, OMIM 225500.
Curry-Hall syndrome (WAD). Also called: WEYERS ACRODENTAL DYSOSTOSIS. Identifiers: Orphanet 952, MedGen C0457013, MONDO:0008673, OMIM 193530.

Allele frequency attached by ClinVar (database versions not stated): gnomAD 0.01371 and 0.01478; TOPMed 0.01543; gnomAD exomes 0.00148 and 0.00357; 1000 Genomes Project 0.01278; ESP Exome Variant Server 0.01707; ExAC 0.00522; 1000 Genomes Project 30x 0.01234.
gnomAD v4.1: 4,356 of 1,613,570 alleles (0.27%); highest among the groups gnomAD compares: African/African-American, 5%; 108 homozygotes.

Submissions (7):

Women's Health and Genetics/Laboratory Corporation of America, LabCorp
Classification: Likely benign. Last evaluated: 2026-05-12. Review status: criteria provided, single submitter. Criteria: LabCorp Variant Classification Summary - May 2015. Collection method: clinical testing. Allele origin: germline.

Labcorp Genetics (formerly Invitae), Labcorp
Classification: Benign for Curry-Hall syndrome; Ellis-van Creveld syndrome. Last evaluated: 2026-02-01. Review status: criteria provided, single submitter. Criteria: Invitae Variant Classification Sherloc (09022015). Collection method: clinical testing. Allele origin: germline.

ARUP Laboratories, Molecular Genetics and Genomics, ARUP Laboratories
Classification: Benign. Last evaluated: 2024-06-21. Review status: criteria provided, single submitter. Criteria: ARUP Molecular Germline Variant Investigation Process 2024. Collection method: clinical testing. Allele origin: germline.

Fulgent Genetics
Classification: Benign for Curry-Hall syndrome; Ellis-van Creveld syndrome. Last evaluated: 2021-07-07. Review status: criteria provided, single submitter. Criteria: ACMG Guidelines, 2015. Collection method: clinical testing. Allele origin: unknown.

Illumina Laboratory Services, Illumina
Classification: Benign for Ellis-van Creveld syndrome. Last evaluated: 2018-01-13. Review status: criteria provided, single submitter. Criteria: ICSL Variant Classification Criteria 13 December 2019. Collection method: clinical testing. Allele origin: germline.
Comment: This variant was observed in the ICSL laboratory as part of a predisposition screen in an ostensibly healthy population. It had not been previously curated by ICSL or reported in the Human Gene Mutation Database (HGMD: prior to June 1st, 2018), and was therefore a candidate for classification through an automated scoring system. Utilizing variant allele frequency, disease prevalence and penetrance estimates, and inheritance mode, an automated score was calculated to assess if this variant is too frequent to cause the disease. Based on the score and internal cut-off values, a variant classified as benign is not then subjected to further curation. The score for this variant resulted in a classification of benign for this disease.

GeneDx
Classification: Benign. Last evaluated: 2016-06-09. Review status: criteria provided, single submitter. Criteria: GeneDx Variant Classification (06012015). Collection method: clinical testing. Allele origin: germline. Affected: yes.
Comment: This variant is considered likely benign or benign based on one or more of the following criteria: it is a conservative change, it occurs at a poorly conserved position in the protein, it is predicted to be benign by multiple in silico algorithms, and/or has population frequency not consistent with disease.

Breakthrough Genomics
Classification: Benign. Review status: criteria provided, single submitter. Criteria: ACMG Guidelines, 2015. Collection method: not provided. Allele origin: germline. Inheritance: Autosomal recessive inheritance. Affected: yes.

NM_147127.5(EVC2):c.3040C>G (p.Leu1014Val)

Gene: EVC2 (EvC ciliary complex subunit 2; minus strand). Cytogenetic location: 4p16.2.
Variant type: single nucleotide variant.
Coding change: c.3040C>G on transcript NM_147127.5 (MANE Select); coding-DNA position 3040, C replaced by G.
Protein change: p.Leu1014Val; replaces leucine 1014 with valine.
Molecular consequence: missense variant.
Genome position (GRCh38, 1-based): chr4:5,584,640, G>C on the plus strand (C>G on the coding strand, the complement: EVC2 is on the minus strand). VCF-style: chr4-5584640-G-C. GRCh37 (hg19) VCF-style: chr4-5586367-G-C.
Other names: c.2800C>G, p.Leu934Val (NM_001166136.2); short protein forms L1014V, L934V.
Identifiers: ClinVar variation 348992 (VCV000348992.28), dbSNP rs75829835, ClinGen allele CA2834482.